The following is an entry in ClinVar:

NM_014244.5(ADAMTS2):c.38_39insTCTCTTAT (p.Pro14fs)

Gene: ADAMTS2 (ADAM metallopeptidase with thrombospondin type 1 motif 2; minus strand). Cytogenetic location: 5q35.3.
Variant type: Insertion.
Coding change: c.38_39insTCTCTTAT on transcript NM_014244.5 (MANE Select); coding-DNA positions 38 to 39, TCTCTTAT inserted.
Protein change: p.Pro14fs; shifts the reading frame from proline 14.
Molecular consequence: frameshift variant.
Genome position: GRCh38 VCF-style: chr5-179345290-G-GATAAGAGA. GRCh37 (hg19) VCF-style: chr5-178772291-G-GATAAGAGA.
Other names: c.38_39insTCTCTTAT, p.Pro14fs (NM_021599.4); short protein forms P14fs.
Identifiers: ClinVar variation 5011444 (VCV005011444.1).

ClinVar aggregate classification (germline): Pathogenic (1 of 4 stars; one submission).

Conditions:
Ehlers-Danlos syndrome, dermatosparaxis type. Also called: EDS VIIC; Dermatosparaxis; Ehlers-Danlos syndrome, type VII, autosomal recessive. Identifiers: Orphanet 1901, MedGen C2700425, MONDO:0009161, OMIM 225410.

Submission:

Myriad Genetics, Inc.
Classification: Pathogenic for Ehlers-Danlos syndrome, dermatosparaxis type. Last evaluated: 2023-08-22. Review status: criteria provided, single submitter. Criteria: Myriad Autosomal Dominant, Autosomal Recessive and X-Linked Classification Criteria (2023). Collection method: clinical testing. Allele origin: unknown.
Comment: NM_014244.4(ADAMTS2):c.38_39ins8(P14Lfs*154) is expected to be pathogenic in the context of Ehlers-Danlos syndrome, ADAMTS2-related. This variant is predicted to lead to an abnormal or absent protein product due to the creation of a premature termination codon in ADAMTS2, a gene where loss-of-function variants are known to be pathogenic. Please note: this variant was assessed in the context of healthy population screening.